The following is an entry in ClinVar:

ClinVar aggregate classification (germline): Likely pathogenic (1 of 4 stars; one submission).

Submission:

Dasa
Classification: Likely pathogenic. Last evaluated: 2025-04-24. Review status: criteria provided, single submitter. Criteria: DASA Assertion Criteria. Collection method: clinical testing. Allele origin: germline.
Comment: NM_207341.4(ZP1):c.1278T>G (p.Tyr426*) is a nonsense variant in ZP1 predicted to introduce a premature termination codon and is predicted to result in an absent or altered protein product. Loss of function is an established disease mechanism for ZP1-associated disorders. Also, this variant is absent from population databases. Based on the currently available evidence, this variant is classified as likely pathogenic.

NM_207341.4(ZP1):c.1278T>G (p.Tyr426Ter)

Gene: ZP1 (zona pellucida glycoprotein 1; plus strand). Cytogenetic location: 11q12.2.
Variant type: single nucleotide variant.
Coding change: c.1278T>G on transcript NM_207341.4 (MANE Select); coding-DNA position 1278, T replaced by G.
Protein change: p.Tyr426Ter; replaces tyrosine 426 with a stop codon.
Molecular consequence: nonsense.
Genome position (GRCh38, 1-based): chr11:60,873,412, T>G. VCF-style: chr11-60873412-T-G. GRCh37 (hg19) VCF-style: chr11-60640885-T-G.
Other names: c.399T>G, p.Tyr133Ter (NM_001391943.1); c.84T>G, p.Tyr28Ter (NM_001391944.1); short protein forms Y133*, Y28*, Y426*.
Identifiers: ClinVar variation 4883139 (VCV004883139.2).